The following is an entry in ClinVar:

ClinVar aggregate classification (germline): Uncertain significance (1 of 4 stars; one submission).

Conditions:
Werner syndrome (WRN). Identifiers: Orphanet 902, MedGen C0043119, MONDO:0010196, OMIM 277700.

Allele frequency attached by ClinVar (database versions not stated): gnomAD exomes below 0.00001.
gnomAD v4.1: 1 of 1,613,902 alleles (0.000062%); highest among the groups gnomAD compares: Non-Finnish European, 0.000085%; no homozygotes.

Submission:

Labcorp Genetics (formerly Invitae), Labcorp
Classification: Uncertain significance for Werner syndrome. Last evaluated: 2021-05-26. Review status: criteria provided, single submitter. Criteria: Invitae Variant Classification Sherloc (09022015). Collection method: clinical testing. Allele origin: germline.
Comment: Algorithms developed to predict the effect of missense changes on protein structure and function output the following: SIFT: "Not Available"; PolyPhen-2: "Benign"; Align-GVGD: "Not Available". The arginine amino acid residue is found in multiple mammalian species, suggesting that this missense change does not adversely affect protein function. These predictions have not been confirmed by published functional studies and their clinical significance is uncertain. In summary, the available evidence is currently insufficient to determine the role of this variant in disease. Therefore, it has been classified as a Variant of Uncertain Significance. This variant has not been reported in the literature in individuals with WRN-related conditions. This variant is not present in population databases (ExAC no frequency). This sequence change replaces glycine with arginine at codon 1428 of the WRN protein (p.Gly1428Arg). The glycine residue is weakly conserved and there is a moderate physicochemical difference between glycine and arginine.

NM_000553.6(WRN):c.4282G>A (p.Gly1428Arg)

Genes: WRN (WRN RecQ like helicase; plus strand), LOC126860342 (MED14-independent group 3 enhancer GRCh37_chr8:31029565-31030764; plus strand). Cytogenetic location: 8p12.
Variant type: single nucleotide variant.
Coding change: c.4282G>A on transcript NM_000553.6 (MANE Select); coding-DNA position 4282, G replaced by A.
Protein change: p.Gly1428Arg; replaces glycine 1428 with arginine.
Molecular consequence: missense variant.
Genome position (GRCh38, 1-based): chr8:31,173,085, G>A. VCF-style: chr8-31173085-G-A. GRCh37 (hg19) VCF-style: chr8-31030601-G-A.
Other names: short protein forms G1428R.
Identifiers: ClinVar variation 1474838 (VCV001474838.6), dbSNP rs2130530546, ClinGen allele CA370911902.